The following is an entry in ClinVar:

ClinVar aggregate classification (germline): Uncertain significance. Review status: criteria provided, multiple submitters, no conflicts (2 of 4 stars). 3 submissions from 3 submitters: Uncertain significance (3). Last evaluated 2024-12-09.

Allele frequency attached by ClinVar (database versions not stated): ExAC 0.00001; gnomAD 0.00002; gnomAD exomes 0.00002; TOPMed 0.00002.
gnomAD v4.1: 55 of 1,611,778 alleles (0.0034%); highest among the groups gnomAD compares: Non-Finnish European, 0.0047%; no homozygotes.

Submissions (3):

Women's Health and Genetics/Laboratory Corporation of America, LabCorp
Classification: Uncertain significance. Last evaluated: 2024-12-09. Review status: criteria provided, single submitter. Criteria: LabCorp Variant Classification Summary - May 2015. Collection method: clinical testing. Allele origin: germline.
Comment: Variant summary: KRAS c.478G>A (p.Val160Met) results in a conservative amino acid change in the encoded protein sequence. Three of five in-silico tools predict a damaging effect of the variant on protein function. The variant allele was found at a frequency of 3.4e-05 in 1611778 control chromosomes. The observed variant frequency is approximately 3 fold of the estimated maximal expected allele frequency for a pathogenic variant in KRAS causing Noonan Syndrome And Related Conditions phenotype (1.3e-05). c.478G>A has been reported in the literature in a family affected with Noonan Syndrome, however, authors of the report classified the variant as uncertain significance (Swarts_2022). These data indicate that the variant may be associated with disease. To our knowledge, no experimental evidence demonstrating an impact on protein function has been reported. The following publication has been ascertained in the context of this evaluation (PMID: 35979676). ClinVar contains an entry for this variant (Variation ID: 496492). Based on the evidence outlined above, the variant was classified as VUS-possibly benign.

Centre of Medical Genetics, University Hospital Muenster
Classification: Uncertain significance. Last evaluated: 2021-12-20. Review status: criteria provided, single submitter. Criteria: ACMG Guidelines, 2015. Collection method: clinical testing. Allele origin: unknown. Affected: yes. Observed: 1 variant allele, 1 heterozygote.
Comment: ACMG categories: PM2

Blueprint Genetics
Classification: Uncertain significance. Last evaluated: 2018-12-12. Review status: criteria provided, single submitter. Criteria: ACMG Guidelines, 2015. Collection method: clinical testing. Allele origin: germline.

Literature cited by the submitters: PubMed 35979676 (cited by Women's Health and Genetics/Laboratory Corporation of America, LabCorp).

NM_004985.5(KRAS):c.451-5622G>A

Gene: KRAS (KRas proto-oncogene, GTPase; minus strand). Cytogenetic location: 12p12.1.
Variant type: single nucleotide variant.
Coding change: c.451-5622G>A on transcript NM_004985.5 (MANE Select); 5622 bases into the intron before coding-DNA position 451, G replaced by A.
Molecular consequence: intron variant. On other transcripts: missense variant (2).
Genome position (GRCh38, 1-based): chr12:25,215,533, C>T on the plus strand (G>A on the coding strand, the complement: KRAS is on the minus strand). VCF-style: chr12-25215533-C-T. GRCh37 (hg19) VCF-style: chr12-25368467-C-T.
Other names: c.451-5622G>A (LRG_344t1, NM_001369787.1); c.478G>A, p.Val160Met (LRG_344t2, NM_001369786.1, NM_033360.4); short protein forms V160M.
Identifiers: ClinVar variation 496492 (VCV000496492.5), dbSNP rs755877953, ClinGen allele CA6486862.